The following is an entry in ClinVar:

NM_015205.3(ATP11A):c.2040G>A (p.Gly680=)

Gene: ATP11A (ATPase phospholipid transporting 11A; plus strand). Cytogenetic location: 13q34.
Variant type: single nucleotide variant.
Coding change: c.2040G>A on transcript NM_015205.3 (MANE Select); coding-DNA position 2040, G replaced by A.
Protein change: p.Gly680=; no amino-acid change (glycine 680 retained).
Molecular consequence: synonymous variant.
Genome position (GRCh38, 1-based): chr13:112,854,327, G>A. VCF-style: chr13-112854327-G-A. GRCh37 (hg19) VCF-style: chr13-113508641-G-A.
Other names: c.2040G>A, p.Gly680= (NM_032189.4).
Identifiers: ClinVar variation 710273 (VCV000710273.30), dbSNP rs142008475, ClinGen allele CA7057031.

ClinVar aggregate classification (germline): Benign/Likely benign. Review status: criteria provided, multiple submitters, no conflicts (2 of 4 stars). 4 submissions from 4 submitters: Benign (1); Likely benign (3). Last evaluated 2026-09-01.

Conditions:
ATP11A-related disorder. Also called: ATP11A-related condition.

Allele frequency attached by ClinVar (database versions not stated): 1000 Genomes Project 30x 0.00141; ExAC 0.00178; 1000 Genomes Project 0.00180; gnomAD exomes 0.00188 and 0.00337; gnomAD 0.00205 and 0.00215; TOPMed 0.00223; ESP Exome Variant Server 0.00231.
gnomAD v4.1: 5,229 of 1,614,146 alleles (0.32%); highest among the groups gnomAD compares: Non-Finnish European, 0.4%; 20 homozygotes.

Submissions (4):

CeGaT Center for Human Genetics Tuebingen
Classification: Likely benign. Last evaluated: 2026-09-01. Review status: criteria provided, single submitter. Criteria: CeGaT Center For Human Genetics Tuebingen Variant Classification Criteria Version 2. Collection method: clinical testing. Allele origin: germline. Affected: yes. Observed: 6 variant alleles.
Comment: ATP11A: BP4, BP7, BS2

Blueprint Genetics
Classification: Likely benign. Last evaluated: 2024-11-25. Review status: criteria provided, single submitter. Criteria: ACMG Guidelines, 2015. Collection method: clinical testing. Allele origin: germline.

PreventionGenetics, part of Exact Sciences
Classification: Likely benign for ATP11A-related condition. Last evaluated: 2024-10-02. Review status: criteria provided, single submitter. Criteria: ACMG Guidelines, 2015. Collection method: clinical testing. Allele origin: germline.
Comment: This variant is classified as likely benign based on ACMG/AMP sequence variant interpretation guidelines (Richards et al. 2015 PMID: 25741868, with internal and published modifications).

Labcorp Genetics (formerly Invitae), Labcorp
Classification: Benign. Last evaluated: 2019-12-31. Review status: criteria provided, single submitter. Criteria: Invitae Variant Classification Sherloc (09022015). Collection method: clinical testing. Allele origin: germline.